The following is an entry in ClinVar:

ClinVar aggregate classification (germline): Uncertain significance (1 of 4 stars; one submission).

Conditions:
Hyperphosphatasia with intellectual disability syndrome 5 (GPIBD11). Also called: GLYCOSYLPHOSPHATIDYLINOSITOL BIOSYNTHESIS DEFECT 11. Identifiers: Orphanet 247262, MedGen C4014958, MONDO:0014457, OMIM 616025.

Allele frequency attached by ClinVar (database versions not stated): gnomAD exomes below 0.00001; gnomAD 0.00001; TOPMed 0.00001.
gnomAD v4.1: 8 of 1,614,002 alleles (0.0005%); highest among the groups gnomAD compares: East Asian, 0.0022%; no homozygotes.

Submission:

Labcorp Genetics (formerly Invitae), Labcorp
Classification: Uncertain significance for Hyperphosphatasia with intellectual disability syndrome 5. Last evaluated: 2022-01-22. Review status: criteria provided, single submitter. Criteria: Invitae Variant Classification Sherloc (09022015). Collection method: clinical testing. Allele origin: germline.
Comment: This variant has not been reported in the literature in individuals affected with PIGW-related conditions. This variant is present in population databases (no rsID available, gnomAD 0.006%). This sequence change replaces arginine, which is basic and polar, with cysteine, which is neutral and slightly polar, at codon 133 of the PIGW protein (p.Arg133Cys). Algorithms developed to predict the effect of missense changes on protein structure and function (SIFT, PolyPhen-2, Align-GVGD) all suggest that this variant is likely to be disruptive. In summary, the available evidence is currently insufficient to determine the role of this variant in disease. Therefore, it has been classified as a Variant of Uncertain Significance.

NM_001346754.2(PIGW):c.397C>T (p.Arg133Cys)

Genes: MYO19 (myosin XIX; minus strand), PIGW (phosphatidylinositol glycan anchor biosynthesis class W; plus strand). Cytogenetic location: 17q12.
Variant type: single nucleotide variant.
Coding change: c.397C>T on transcript NM_001346754.2 (MANE Select); coding-DNA position 397, C replaced by T.
Protein change: p.Arg133Cys; replaces arginine 133 with cysteine.
Molecular consequence: missense variant.
Genome position (GRCh38, 1-based): chr17:36,537,498, C>T. VCF-style: chr17-36537498-C-T. GRCh37 (hg19) VCF-style: chr17-34893347-C-T.
Other names: c.397C>T, p.Arg133Cys (NM_001346755.2, NM_178517.5); short protein forms R133C.
Identifiers: ClinVar variation 1396143 (VCV001396143.10), dbSNP rs1292555631, ClinGen allele CA399162591.